The following is an entry in ClinVar:

ClinVar aggregate classification (germline): Uncertain significance. Review status: criteria provided, multiple submitters, no conflicts (2 of 4 stars). 2 submissions from 2 submitters: Uncertain significance (2). Last evaluated 2024-05-15.

Allele frequency attached by ClinVar (database versions not stated): gnomAD 0.00003; gnomAD exomes 0.00005; ExAC 0.00006; TOPMed 0.00007.
gnomAD v4.1: 90 of 1,613,096 alleles (0.0056%); highest among the groups gnomAD compares: Middle Eastern, 0.099%; no homozygotes.

Submissions (2):

Ambry Genetics
Classification: Uncertain significance. Last evaluated: 2024-05-15. Review status: criteria provided, single submitter. Criteria: Ambry Variant Classification Scheme 2023. Collection method: clinical testing. Allele origin: germline.

Labcorp Genetics (formerly Invitae), Labcorp
Classification: Uncertain significance. Last evaluated: 2023-12-22. Review status: criteria provided, single submitter. Criteria: Invitae Variant Classification Sherloc (09022015). Collection method: clinical testing. Allele origin: germline.
Comment: This sequence change replaces asparagine, which is neutral and polar, with aspartic acid, which is acidic and polar, at codon 720 of the SULF1 protein (p.Asn720Asp). This variant is present in population databases (rs751509929, gnomAD 0.06%). This variant has not been reported in the literature in individuals affected with SULF1-related conditions. ClinVar contains an entry for this variant (Variation ID: 1900289). An algorithm developed to predict the effect of missense changes on protein structure and function (PolyPhen-2) suggests that this variant is likely to be tolerated. In summary, the available evidence is currently insufficient to determine the role of this variant in disease. Therefore, it has been classified as a Variant of Uncertain Significance.

NM_001128205.2(SULF1):c.2158A>G (p.Asn720Asp)

Gene: SULF1 (sulfatase 1; plus strand). Cytogenetic location: 8q13.3.
Variant type: single nucleotide variant.
Coding change: c.2158A>G on transcript NM_001128205.2 (MANE Select); coding-DNA position 2158, A replaced by G.
Protein change: p.Asn720Asp; replaces asparagine 720 with aspartic acid.
Molecular consequence: missense variant. On other transcripts: non-coding transcript variant (3).
Genome position (GRCh38, 1-based): chr8:69,629,553, A>G. VCF-style: chr8-69629553-A-G. GRCh37 (hg19) VCF-style: chr8-70541788-A-G.
Other names: c.2158A>G (NM_001128205.1); c.2158A>G, p.Asn720Asp (NM_001128204.2, NM_001128206.2, NM_001412828.1 and 10 more transcripts); c.2029A>G, p.Asn677Asp (NM_001412832.1, NM_001412838.1, NM_001412839.1 and 1 more transcripts); c.2101A>G, p.Asn701Asp (NM_001412836.1, NM_001412837.1); c.1972A>G, p.Asn658Asp (NM_001412841.1, NM_001412842.1); c.1558A>G, p.Asn520Asp (NM_001412844.1, NM_001412845.1); c.367A>G, p.Asn123Asp (NM_001412846.1); short protein forms N520D, N677D, N701D, N123D, N658D, N720D.
Identifiers: ClinVar variation 1900289 (VCV001900289.6), dbSNP rs751509929, ClinGen allele CA4776092.